The following is an entry in ClinVar:

NM_012309.5(SHANK2):c.3180G>A (p.Pro1060=)

Gene: SHANK2 (SH3 and multiple ankyrin repeat domains 2; minus strand). Cytogenetic location: 11q13.3.
Variant type: single nucleotide variant.
Coding change: c.3180G>A on transcript NM_012309.5 (MANE Select); coding-DNA position 3180, G replaced by A.
Protein change: p.Pro1060=; no amino-acid change (proline 1060 retained).
Molecular consequence: synonymous variant.
Genome position (GRCh38, 1-based): chr11:70,487,113, C>T on the plus strand (G>A on the coding strand, the complement: SHANK2 is on the minus strand). VCF-style: chr11-70487113-C-T. GRCh37 (hg19) VCF-style: chr11-70333218-C-T.
Other names: c.2043G>A, p.Pro681= (NM_001379226.1); c.1416G>A, p.Pro472= (NM_133266.5).
Identifiers: ClinVar variation 2642080 (VCV002642080.24), dbSNP rs1565529798, ClinGen allele CA475709682.

ClinVar aggregate classification (germline): Likely benign (1 of 4 stars; one submission).

Allele frequency attached by ClinVar (database versions not stated): TOPMed below 0.00001.
gnomAD v4.1: 7 of 1,611,494 alleles (0.00043%); highest among the groups gnomAD compares: Non-Finnish European, 0.00034%; no homozygotes.

Submission:

CeGaT Center for Human Genetics Tuebingen
Classification: Likely benign. Last evaluated: 2023-01-01. Review status: criteria provided, single submitter. Criteria: CeGaT Center For Human Genetics Tuebingen Variant Classification Criteria Version 2. Collection method: clinical testing. Allele origin: germline. Affected: yes. Observed: 1 variant allele.
Comment: SHANK2: BP4, BP7